The following is an entry in ClinVar:

NM_003072.5(SMARCA4):c.802G>A (p.Val268Met)

Gene: SMARCA4 (SWI/SNF related BAF chromatin remodeling complex subunit ATPase 4; plus strand). Cytogenetic location: 19p13.2.
Variant type: single nucleotide variant.
Coding change: c.802G>A on transcript NM_003072.5 (MANE Select); coding-DNA position 802, G replaced by A.
Protein change: p.Val268Met; replaces valine 268 with methionine.
Molecular consequence: missense variant. On other transcripts: non-coding transcript variant (1).
Genome position (GRCh38, 1-based): chr19:10,986,946, G>A. VCF-style: chr19-10986946-G-A. GRCh37 (hg19) VCF-style: chr19-11097622-G-A.
Other names: c.802G>A, p.Val268Met (NM_001128844.3, NM_001128845.2, NM_001128846.2 and 5 more transcripts); short protein forms V268M.
Identifiers: ClinVar variation 238522 (VCV000238522.22), dbSNP rs768522438, ClinGen allele CA9203584.

ClinVar aggregate classification (germline): Conflicting classifications of pathogenicity. Review status: criteria provided, conflicting classifications (1 of 4 stars). 8 submissions from 8 submitters: Uncertain significance (6); Likely benign (2). Last evaluated 2026-07-06.

Conditions:
SMARCA4-related disorder. Also called: SMARCA4-related condition.
Hereditary cancer-predisposing syndrome. Also called: Hereditary Cancer Syndrome; Tumor predisposition; Hereditary neoplastic syndrome; Neoplastic Syndromes, Hereditary. Identifiers: Orphanet 140162, MedGen C0027672, MeSH D009386, MONDO:0015356.
Intellectual disability, autosomal dominant 16 (CSS4). Also called: COFFIN-SIRIS SYNDROME 4. Identifiers: Orphanet 1465, MedGen C3553249, MONDO:0013821, OMIM 614609.
Rhabdoid tumor predisposition syndrome 2 (RTPS2). Identifiers: Orphanet 231108, Orphanet 69077, MedGen C2750074, MONDO:0013224, OMIM 613325.

Allele frequency attached by ClinVar (database versions not stated): gnomAD 0.00002 and 0.00003; gnomAD exomes 0.00004; TOPMed 0.00004; ExAC 0.00003.
gnomAD v4.1: 34 of 1,611,358 alleles (0.0021%); highest among the groups gnomAD compares: Middle Eastern, 0.016%; no homozygotes.

Submissions (8):

Myriad Genetics, Inc.
Classification: Likely benign for Rhabdoid tumor predisposition syndrome 2. Last evaluated: 2026-07-06. Review status: criteria provided, single submitter. Criteria: Myriad Autosomal Dominant, Autosomal Recessive and X-Linked Classification Criteria (2023). Collection method: clinical testing. Allele origin: unknown.
Comment: This variant is considered likely benign. This variant has been observed at a population frequency that is significantly greater than expected given the associated disease prevalence and penetrance.

PreventionGenetics, part of Exact Sciences
Classification: Uncertain significance for SMARCA4-related condition. Last evaluated: 2026-02-22. Review status: criteria provided, single submitter. Criteria: ACMG Guidelines, 2015. Collection method: clinical testing. Allele origin: germline.
Comment: The SMARCA4 c.802G>A variant is predicted to result in the amino acid substitution p.Val268Met. To our knowledge, this variant has not been reported in the literature in individuals with SMARCA4-related disease. This variant is reported in 0.0056% of alleles in individuals of Latino descent in gnomAD and has classifications ranging from uncertain to likely benign (Variation ID: 238522). At this time, the clinical significance of this variant is uncertain due to the absence of conclusive functional and genetic evidence.

Labcorp Genetics (formerly Invitae), Labcorp
Classification: Uncertain significance for Rhabdoid tumor predisposition syndrome 2. Last evaluated: 2026-01-16. Review status: criteria provided, single submitter. Criteria: Invitae Variant Classification Sherloc (09022015). Collection method: clinical testing. Allele origin: germline.
Comment: This sequence change replaces valine, which is neutral and non-polar, with methionine, which is neutral and non-polar, at codon 268 of the SMARCA4 protein (p.Val268Met). This variant is present in population databases (rs768522438, gnomAD 0.006%). This variant has not been reported in the literature in individuals affected with SMARCA4-related conditions. ClinVar contains an entry for this variant (Variation ID: 238522). An algorithm developed to predict the effect of missense changes on protein structure and function (PolyPhen-2) suggests that this variant is likely to be disruptive. In summary, the available evidence is currently insufficient to determine the role of this variant in disease. Therefore, it has been classified as a Variant of Uncertain Significance.

Quest Diagnostics Nichols Institute San Juan Capistrano
Classification: Uncertain significance. Last evaluated: 2025-05-28. Review status: criteria provided, single submitter. Criteria: Quest Diagnostics criteria. Collection method: clinical testing. Allele origin: unknown.
Comment: The SMARCA4 c.802G>A (p.Val268Met) variant has been reported in the published literature in an individual who was at risk for hereditary breast and ovarian cancer syndrome (PMID: 38874686 (2024)). The frequency of this variant in the general population (Genome Aggregation Database) is uninformative in the assessment of its pathogenicity. Analysis of this variant using bioinformatics tools for the prediction of the effect of amino acid changes on protein structure and function yielded conflicting predictions that this variant is benign or damaging. Based on the available information, we are unable to determine the clinical significance of this variant.

GeneDx
Classification: Uncertain significance. Last evaluated: 2024-06-16. Review status: criteria provided, single submitter. Criteria: GeneDx Variant Classification Process June 2021. Collection method: clinical testing. Allele origin: germline. Affected: yes.
Comment: In silico analysis indicates that this missense variant does not alter protein structure/function; Has not been previously published as pathogenic or benign to our knowledge

Baylor Genetics
Classification: Uncertain significance for Rhabdoid tumor predisposition syndrome 2. Last evaluated: 2023-10-13. Review status: criteria provided, single submitter. Criteria: ACMG Guidelines, 2015. Collection method: clinical testing. Allele origin: unknown.

Ambry Genetics
Classification: Likely benign for Hereditary cancer-predisposing syndrome. Last evaluated: 2023-07-06. Review status: criteria provided, single submitter. Criteria: Ambry Variant Classification Scheme 2023. Collection method: clinical testing. Allele origin: germline.

Genome-Nilou Lab
Classification: Uncertain significance for Intellectual disability, autosomal dominant 16. Last evaluated: 2021-07-15. Review status: criteria provided, single submitter. Criteria: ACMG Guidelines, 2015. Collection method: clinical testing. Allele origin: germline. Affected: no.

Literature cited by the submitters: PubMed 38874686 (cited by Quest Diagnostics Nichols Institute San Juan Capistrano).